The following is an entry in ClinVar:

NM_021098.3(CACNA1H):c.2540G>T (p.Cys847Phe)

Gene: CACNA1H (calcium voltage-gated channel subunit alpha1 H; plus strand). Cytogenetic location: 16p13.3.
Variant type: single nucleotide variant.
Coding change: c.2540G>T on transcript NM_021098.3 (MANE Select); coding-DNA position 2540, G replaced by T.
Protein change: p.Cys847Phe; replaces cysteine 847 with phenylalanine.
Molecular consequence: missense variant.
Genome position (GRCh38, 1-based): chr16:1,205,202, G>T. VCF-style: chr16-1205202-G-T. GRCh37 (hg19) VCF-style: chr16-1255202-G-T.
Other names: c.2540G>T, p.Cys847Phe (NM_001005407.2); short protein forms C847F.
Identifiers: ClinVar variation 376824 (VCV000376824.15), dbSNP rs202019417, ClinGen allele CA7800323.

ClinVar aggregate classification (germline): Conflicting classifications of pathogenicity. Review status: criteria provided, conflicting classifications (1 of 4 stars). 3 submissions from 3 submitters: Uncertain significance (2); Likely benign (1). Last evaluated 2026-01-28.

Conditions:
Hyperaldosteronism, familial, type IV (HALD4). Also called: FH IV; ALDOSTERONISM, PRIMARY, AND HYPERTENSION. Identifiers: Orphanet 642671, MedGen C4310756, MONDO:0014875, OMIM 617027.
Idiopathic generalized epilepsy. Also called: Generalised epilepsy; EIG. Identifiers: MedGen C0270850, MONDO:0005579, OMIM 600669.
Epilepsy, childhood absence, susceptibility to, 6. Identifiers: Orphanet 64280, MedGen C2749872, MONDO:0012763, OMIM 611942.

Allele frequency attached by ClinVar (database versions not stated): ESP Exome Variant Server 0.00008; gnomAD 0.00019; 1000 Genomes Project 0.00020; TOPMed 0.00023; 1000 Genomes Project 30x 0.00031.

Submissions (3):

Labcorp Genetics (formerly Invitae), Labcorp
Classification: Likely benign for Idiopathic generalized epilepsy; Hyperaldosteronism, familial, type IV. Last evaluated: 2026-01-28. Review status: criteria provided, single submitter. Criteria: Invitae Variant Classification Sherloc (09022015). Collection method: clinical testing. Allele origin: germline.

Fulgent Genetics
Classification: Uncertain significance for Epilepsy, childhood absence, susceptibility to, 6; Hyperaldosteronism, familial, type IV. Last evaluated: 2018-10-31. Review status: criteria provided, single submitter. Criteria: ACMG Guidelines, 2015. Collection method: clinical testing. Allele origin: unknown.

Center for Pediatric Genomic Medicine, Children's Mercy Hospital and Clinics
Classification: Uncertain significance. Last evaluated: 2016-07-12. Review status: criteria provided, single submitter. Criteria: ACMG Guidelines, 2015. Collection method: clinical testing. Allele origin: germline.
ClinVar note: Converted during submission from Uncertain Significance to Uncertain significance.